The following is an entry in ClinVar:

NM_000186.4(CFH):c.3010A>G (p.Lys1004Glu)

Gene: CFH (complement factor H; plus strand). Cytogenetic location: 1q31.3.
Variant type: single nucleotide variant.
Coding change: c.3010A>G on transcript NM_000186.4 (MANE Select); coding-DNA position 3010, A replaced by G.
Protein change: p.Lys1004Glu; replaces lysine 1004 with glutamic acid.
Molecular consequence: missense variant.
Genome position (GRCh38, 1-based): chr1:196,741,928, A>G. VCF-style: chr1-196741928-A-G. GRCh37 (hg19) VCF-style: chr1-196711058-A-G.
Other names: short protein forms K1004E.
Identifiers: ClinVar variation 2793370 (VCV002793370.4), dbSNP rs773493265, ClinGen allele CA1305807.

ClinVar aggregate classification (germline): Uncertain significance. Review status: criteria provided, multiple submitters, no conflicts (2 of 4 stars). 2 submissions from 2 submitters: Uncertain significance (2). Last evaluated 2025-11-17.

Conditions:
Inborn genetic diseases. Identifiers: MedGen C0950123, MeSH D030342.

Allele frequency attached by ClinVar (database versions not stated): TOPMed below 0.00001; ExAC 0.00001.

Submissions (2):

Labcorp Genetics (formerly Invitae), Labcorp
Classification: Uncertain significance. Last evaluated: 2025-11-17. Review status: criteria provided, single submitter. Criteria: Invitae Variant Classification Sherloc (09022015). Collection method: clinical testing. Allele origin: germline.
Comment: This sequence change replaces lysine, which is basic and polar, with glutamic acid, which is acidic and polar, at codon 1004 of the CFH protein (p.Lys1004Glu). This variant is present in population databases (rs773493265, gnomAD 0.003%). This variant has not been reported in the literature in individuals affected with CFH-related conditions. ClinVar contains an entry for this variant (Variation ID: 2793370). An algorithm developed to predict the effect of missense changes on protein structure and function outputs the following: PolyPhen-2: "Benign". The glutamic acid amino acid residue is found in multiple mammalian species, which suggests that this missense change does not adversely affect protein function. In summary, the available evidence is currently insufficient to determine the role of this variant in disease. Therefore, it has been classified as a Variant of Uncertain Significance.

Ambry Genetics
Classification: Uncertain significance for Inborn genetic diseases. Last evaluated: 2025-09-01. Review status: criteria provided, single submitter. Criteria: Ambry Variant Classification Scheme 2023. Collection method: clinical testing. Allele origin: germline.